The following is an entry in ClinVar:

NM_018249.6(CDK5RAP2):c.60-1G>C

Gene: CDK5RAP2 (CDK5 regulatory subunit associated protein 2; minus strand). Cytogenetic location: 9q33.2.
Variant type: single nucleotide variant.
Coding change: c.60-1G>C on transcript NM_018249.6 (MANE Select); the canonical splice acceptor site of the intron before coding-DNA position 60, G replaced by C.
Molecular consequence: splice acceptor variant.
Genome position (GRCh38, 1-based): chr9:120,572,042, C>G on the plus strand (G>C on the coding strand, the complement: CDK5RAP2 is on the minus strand). VCF-style: chr9-120572042-C-G. GRCh37 (hg19) VCF-style: chr9-123334320-C-G.
Other names: c.60-1G>C (NM_001272039.2, NM_001410992.1, NM_001410994.1 and 2 more transcripts).
Identifiers: ClinVar variation 4881498 (VCV004881498.2).

ClinVar aggregate classification (germline): Likely pathogenic (1 of 4 stars; one submission).

Conditions:
Microcephaly 3, primary, autosomal recessive. Identifiers: Orphanet 2512, MedGen C1858108, MONDO:0011488, OMIM 604804.

Submission:

Dasa
Classification: Likely pathogenic for Microcephaly 3, primary, autosomal recessive. Last evaluated: 2025-11-25. Review status: criteria provided, single submitter. Criteria: DASA Assertion Criteria. Collection method: clinical testing. Allele origin: germline.
Comment: NM_018249.6(CDK5RAP2):c.60-1G>C affects a canonical splice site and is predicted to disrupt normal RNA splicing. Loss of function is an established disease mechanism for CDK5RAP2-associated disorders. Also, this variant is absent from population databases. Based on the currently available evidence, this variant is classified as likely pathogenic.